The following is an entry in ClinVar:

ClinVar aggregate classification (germline): Likely benign. Review status: criteria provided, multiple submitters, no conflicts (2 of 4 stars). 3 submissions from 3 submitters: Likely benign (3). Last evaluated 2026-01-11.

Conditions:
TSC1-related disorder. Also called: TSC1-related condition.
Tuberous sclerosis syndrome (TSC). Also called: Tuberous Sclerosis Complex; Tuberous sclerosis. Identifiers: Orphanet 805, MedGen C0041341, MONDO:0001734.
Tuberous sclerosis 1 (TSC1). Identifiers: Orphanet 805, MedGen C1854465, MONDO:0008612, OMIM 191100.

Submissions (3):

PreventionGenetics, part of Exact Sciences
Classification: Likely benign for TSC1-related condition. Last evaluated: 2026-01-11. Review status: criteria provided, single submitter. Criteria: ACMG Guidelines, 2015. Collection method: clinical testing. Allele origin: germline.
Comment: This variant is classified as likely benign based on ACMG/AMP sequence variant interpretation guidelines (Richards et al. 2015 PMID: 25741868, with internal and published modifications).

All of Us Research Program, National Institutes of Health
Classification: Likely benign for Tuberous sclerosis syndrome. Last evaluated: 2024-03-24. Review status: criteria provided, single submitter. Criteria: ACMG Guidelines, 2015. Collection method: clinical testing. Allele origin: germline. Inheritance: Autosomal dominant inheritance. Observed: 1 variant allele, 1 heterozygote.
Comment: This study involves interpretation of variants in research participants for the purpose of population health screening. Participant phenotype was not available at the time of variant classification. Additional details can be found in publication PMID: 35346344, PMCID: PMC8962531

Labcorp Genetics (formerly Invitae), Labcorp
Classification: Likely benign for Tuberous sclerosis 1. Last evaluated: 2019-06-26. Review status: criteria provided, single submitter. Criteria: Invitae Variant Classification Sherloc (09022015). Collection method: clinical testing. Allele origin: germline.

NM_000368.5(TSC1):c.690T>C (p.His230=)

Gene: TSC1 (TSC complex subunit 1; minus strand). Cytogenetic location: 9q34.13.
Variant type: single nucleotide variant.
Coding change: c.690T>C on transcript NM_000368.5 (MANE Select); coding-DNA position 690, T replaced by C.
Protein change: p.His230=; no amino-acid change (histidine 230 retained).
Molecular consequence: synonymous variant.
Genome position (GRCh38, 1-based): chr9:132,921,410, A>G on the plus strand (T>C on the coding strand, the complement: TSC1 is on the minus strand). VCF-style: chr9-132921410-A-G. GRCh37 (hg19) VCF-style: chr9-135796797-A-G.
Other names: c.690T>C (NM_000368.4); c.690T>C, p.His230= (NM_001162426.2); c.537T>C, p.His179= (NM_001162427.2); c.327T>C, p.His109= (NM_001362177.2).
Identifiers: ClinVar variation 1107400 (VCV001107400.11), dbSNP rs2132136607, ClinGen allele CA467593747.